The following is an entry in ClinVar:

ClinVar aggregate classification (germline): Uncertain significance (1 of 4 stars; one submission).

Conditions:
Limb-girdle muscular dystrophy due to POMK deficiency. Also called: Muscular dystrophy-dystroglycanopathy (limb-girdle), type c, 12; MUSCULAR DYSTROPHY-DYSTROGLYCANOPATHY, LIMB-GIRDLE, POMK-RELATED. Identifiers: Orphanet 445110, MedGen C4015184, MONDO:0014489, OMIM 616094.
Muscular dystrophy-dystroglycanopathy (congenital with brain and eye anomalies), type a, 12 (MDDGA12). Also called: WALKER-WARBURG SYNDROME OR MUSCLE-EYE-BRAIN DISEASE, POMK-RELATED. Identifiers: Orphanet 899, MedGen C3808964, MONDO:0014101, OMIM 615249.

Submission:

Labcorp Genetics (formerly Invitae), Labcorp
Classification: Uncertain significance for Muscular dystrophy-dystroglycanopathy (congenital with brain and eye anomalies), type a, 12; Limb-girdle muscular dystrophy due to POMK deficiency. Last evaluated: 2022-08-19. Review status: criteria provided, single submitter. Criteria: Invitae Variant Classification Sherloc (09022015). Collection method: clinical testing. Allele origin: germline.
Comment: This sequence change replaces aspartic acid, which is acidic and polar, with asparagine, which is neutral and polar, at codon 287 of the POMK protein (p.Asp287Asn). This variant is not present in population databases (gnomAD no frequency). This variant has not been reported in the literature in individuals affected with POMK-related conditions. Algorithms developed to predict the effect of missense changes on protein structure and function are either unavailable or do not agree on the potential impact of this missense change (SIFT: "Deleterious"; PolyPhen-2: "Possibly Damaging"; Align-GVGD: "Class C0"). In summary, the available evidence is currently insufficient to determine the role of this variant in disease. Therefore, it has been classified as a Variant of Uncertain Significance.

NM_032237.5(POMK):c.859G>A (p.Asp287Asn)

Gene: POMK (protein O-mannose kinase; plus strand). Cytogenetic location: 8p11.21.
Variant type: single nucleotide variant.
Coding change: c.859G>A on transcript NM_032237.5 (MANE Select); coding-DNA position 859, G replaced by A.
Protein change: p.Asp287Asn; replaces aspartic acid 287 with asparagine.
Molecular consequence: missense variant.
Genome position (GRCh38, 1-based): chr8:43,122,683, G>A. VCF-style: chr8-43122683-G-A. GRCh37 (hg19) VCF-style: chr8-42977826-G-A.
Other names: c.859G>A, p.Asp287Asn (NM_001277971.2); short protein forms D287N.
Identifiers: ClinVar variation 1716736 (VCV001716736.5), dbSNP rs1811947241, ClinGen allele CA371122832.